The following is an entry in ClinVar:

ClinVar aggregate classification (germline): Likely pathogenic (1 of 4 stars; one submission).

Conditions:
Ellis-van Creveld syndrome (EVC). Also called: EVC-Related Ellis-van Creveld Syndrome; EVC2-Related Ellis-van Creveld Syndrome; MESOECTODERMAL DYSPLASIA; Chondroectodermal dysplasia. Identifiers: Orphanet 289, MedGen C0013903, MONDO:0009162, OMIM 225500.

Submission:

Myriad Genetics, Inc.
Classification: Likely pathogenic for Ellis-van Creveld syndrome. Last evaluated: 2021-12-10. Review status: criteria provided, single submitter. Criteria: Myriad Women's Health Autosomal Recessive and X-Linked Classification Criteria (2021). Collection method: clinical testing. Allele origin: unknown.
Comment: NM_153717.2(EVC):c.59_60insA(L21Afs*52) is expected to be pathogenic in the context of EVC-related Ellis-van Creveld syndrome. This variant is predicted to lead to an abnormal or absent protein product due to the creation of a premature termination codon in EVC, a gene where loss-of-function variants are known to be pathogenic. Please note: this variant was assessed in the context of healthy population screening.

NM_153717.3(EVC):c.59_60insA (p.Leu21fs)

Gene: EVC (EvC ciliary complex subunit 1; plus strand). Cytogenetic location: 4p16.2.
Variant type: Insertion.
Coding change: c.59_60insA on transcript NM_153717.3 (MANE Select); coding-DNA positions 59 to 60, A inserted.
Protein change: p.Leu21fs; shifts the reading frame from leucine 21.
Molecular consequence: frameshift variant.
Genome position: GRCh38 VCF-style: chr4-5711439-C-CA. GRCh37 (hg19) VCF-style: chr4-5713166-C-CA.
Other names: c.59_60insA, p.Leu21fs (NM_001306090.2, NM_001306092.2); short protein forms L21fs.
Identifiers: ClinVar variation 1726284 (VCV001726284.2), dbSNP rs2474193836, ClinGen allele CA2580070806.